The following is an entry in ClinVar:

ClinVar aggregate classification (germline): Likely pathogenic (1 of 4 stars; one submission).

Conditions:
Senior-Loken syndrome 6 (SLSN6). Identifiers: Orphanet 3156, MedGen C1857779, MONDO:0012433, OMIM 610189.
Meckel syndrome, type 4 (MKS4). Also called: MECKEL-GRUBER SYNDROME, TYPE 4. Identifiers: Orphanet 564, MedGen C1970161, MONDO:0012626, OMIM 611134.
Joubert syndrome 5 (JBTS5). Identifiers: Orphanet 2318, MedGen C1857780, MONDO:0012432, OMIM 610188.
Bardet-Biedl syndrome 14 (BBS14). Identifiers: Orphanet 110, MedGen C2673874, MONDO:0014442, OMIM 615991.
Leber congenital amaurosis 10 (LCA10). Identifiers: Orphanet 65, MedGen C1857821, MONDO:0012723, OMIM 611755.

Submission:

Juno Genomics, Hangzhou Juno Genomics, Inc
Classification: Likely pathogenic for Bardet-Biedl syndrome 14; Joubert syndrome 5; Leber congenital amaurosis 10; Meckel syndrome, type 4; Senior-Loken syndrome 6. Review status: criteria provided, single submitter. Criteria: ACMG Guidelines, 2015. Collection method: clinical testing. Allele origin: germline.
Comment: Null variant in a gene where loss of function (LOF) is a known mechanism of disease.;Absent from controls (or at extremely low frequency if recessive) in Genome Aggregation Database.

NM_025114.4(CEP290):c.445del (p.Ala149fs)

Gene: CEP290 (centrosomal protein 290; minus strand). Cytogenetic location: 12q21.32.
Variant type: Deletion.
Coding change: c.445del on transcript NM_025114.4 (MANE Select); coding-DNA position 445, one base deleted (G; older notation c.445delG).
Protein change: p.Ala149fs; shifts the reading frame from alanine 149.
Molecular consequence: frameshift variant.
Genome position (GRCh38, 1-based): chr12:88,131,215, C deleted on the plus strand (G on the coding strand, the reverse complement: CEP290 is on the minus strand); the first of 2 consecutive C bases (chr12:88,131,215-88,131,216); deleting either gives the same sequence. VCF-style (leftmost placement, unchanged base first): chr12-88131214-GC-G. GRCh37 (hg19) VCF-style: chr12-88524991-GC-G.
Other names: short protein forms A149fs.
Identifiers: ClinVar variation 5005199 (VCV005005199.2).